The following is an entry in ClinVar:

ClinVar aggregate classification (germline): Uncertain significance. Review status: criteria provided, multiple submitters, no conflicts (2 of 4 stars). 2 submissions from 2 submitters: Uncertain significance (2). Last evaluated 2024-07-02.

Conditions:
Inborn genetic diseases. Identifiers: MedGen C0950123, MeSH D030342.
Neurodevelopmental disorder, nonprogressive, with spasticity and transient opisthotonus. Identifiers: MedGen C5562040, MONDO:0859212, OMIM 619653.

Allele frequency attached by ClinVar (database versions not stated): gnomAD 0.00001; gnomAD exomes 0.00004; TOPMed 0.00005; ExAC 0.00007.
gnomAD v4.1: 23 of 1,612,444 alleles (0.0014%); highest among the groups gnomAD compares: Admixed American, 0.038%; no homozygotes.

Submissions (2):

Ambry Genetics
Classification: Uncertain significance for Inborn genetic diseases. Last evaluated: 2024-07-02. Review status: criteria provided, single submitter. Criteria: Ambry Variant Classification Scheme 2023. Collection method: clinical testing. Allele origin: germline.

Neuberg Centre For Genomic Medicine, NCGM
Classification: Uncertain significance for Neurodevelopmental disorder, nonprogressive, with spasticity and transient opisthotonus. Review status: criteria provided, single submitter. Criteria: ACMG Guidelines, 2015. Collection method: clinical testing. Allele origin: germline. Inheritance: Autosomal recessive inheritance. Affected: yes.
Comment: The missense c.1714G>A(p.Val572Met) variant in TNR gene has not been reported previously as a pathogenic variant nor a benign variant, to our knowledge. The p.Val572Met variant has been reported with allele frequency of 0.008% in gnomAD Exomes and is novel (not in any individuals) in 1000 Genomes. This variant has not been reported to the ClinVar database. The amino acid change p.Val572Met in TNR is predicted as conserved by GERP++ and PhyloP across 100 vertebrates. The amino acid Val at position 572 is changed to a Met changing protein sequence and it might alter its composition and physico-chemical properties. For these reasons, this variant has been classified as a Uncertain significance (VUS).

NM_003285.3(TNR):c.1714G>A (p.Val572Met)

Gene: TNR (tenascin R; minus strand). Cytogenetic location: 1q25.1.
Variant type: single nucleotide variant.
Coding change: c.1714G>A on transcript NM_003285.3 (MANE Select); coding-DNA position 1714, G replaced by A.
Protein change: p.Val572Met; replaces valine 572 with methionine.
Molecular consequence: missense variant.
Genome position (GRCh38, 1-based): chr1:175,386,095, C>T on the plus strand (G>A on the coding strand, the complement: TNR is on the minus strand). VCF-style: chr1-175386095-C-T. GRCh37 (hg19) VCF-style: chr1-175355231-C-T.
Other names: c.715G>A, p.Val239Met (NM_001328635.2); c.1714G>A (NM_003285.2); short protein forms V239M, V572M.
Identifiers: ClinVar variation 3062025 (VCV003062025.2), dbSNP rs748026252, ClinGen allele CA1255862.
Genomic context (GRCh38, chr1:175,386,095, plus strand): 5'-TTGTGAACTGAGTGGTGGCAGAATCGCTCTCGTTGGTCCCTCGGACGGCACTGACTGACA[C>T]CTCGTATCGGGAGCCAGGCCGCAGGGCCTGCACTGAGTATTGGCTCAGGGGAGGCTGCAG-3'
Protein context (NP_003276.3, residues 562-582): QALRPGSRYE[Val572Met]SVSAVRGTNE